The following is an entry in ClinVar:

NM_001042492.3(NF1):c.5615C>T (p.Ala1872Val)

Gene: NF1 (neurofibromin 1; plus strand). Cytogenetic location: 17q11.2.
Variant type: single nucleotide variant.
Coding change: c.5615C>T on transcript NM_001042492.3 (MANE Select); coding-DNA position 5615, C replaced by T.
Protein change: p.Ala1872Val; replaces alanine 1872 with valine.
Molecular consequence: missense variant.
Genome position (GRCh38, 1-based): chr17:31,330,301, C>T. VCF-style: chr17-31330301-C-T. GRCh37 (hg19) VCF-style: chr17-29657319-C-T.
Other names: c.5552C>T, p.Ala1851Val (NM_000267.4); short protein forms A1851V, A1872V.
Identifiers: ClinVar variation 2783827 (VCV002783827.5), dbSNP rs2151544400, ClinGen allele CA399010101.

ClinVar aggregate classification (germline): Uncertain significance. Review status: criteria provided, multiple submitters, no conflicts (2 of 4 stars). 3 submissions from 3 submitters: Uncertain significance (3). Last evaluated 2025-08-11.

Conditions:
Neurofibromatosis, type 1 (NF1). Also called: VON RECKLINGHAUSEN DISEASE; Peripheral type neurofibromatosis; Neurofibromatosis, type I; NEUROFIBROMATOSIS, TYPE I, SOMATIC. Identifiers: Orphanet 636, MedGen C0027831, MONDO:0018975, OMIM 162200. Disease mechanism: loss of function.
Cardiovascular phenotype. Identifiers: MedGen CN230736.
Hereditary cancer-predisposing syndrome. Also called: Hereditary Cancer Syndrome; Hereditary neoplastic syndrome; Tumor predisposition; Neoplastic Syndromes, Hereditary. Identifiers: Orphanet 140162, MedGen C0027672, MeSH D009386, MONDO:0015356.
Juvenile myelomonocytic leukemia (JMML). Also called: LEUKEMIA, JUVENILE MYELOMONOCYTIC, SOMATIC. Identifiers: Orphanet 86834, MedGen C0349639, MONDO:0011908, OMIM 607785, HP:0012209.

Submissions (3):

Ambry Genetics
Classification: Uncertain significance for Cardiovascular phenotype; Hereditary cancer-predisposing syndrome. Last evaluated: 2025-08-11. Review status: criteria provided, single submitter. Criteria: Ambry Variant Classification Scheme 2023. Collection method: clinical testing. Allele origin: germline.
Comment: The p.A1851V variant (also known as c.5552C>T), located in coding exon 38 of the NF1 gene, results from a C to T substitution at nucleotide position 5552. The alanine at codon 1851 is replaced by valine, an amino acid with similar properties. This amino acid position is highly conserved in available vertebrate species. In addition, this alteration is predicted to be deleterious by in silico analysis. Based on the available evidence, the clinical significance of this variant remains unclear.

Baylor Genetics
Classification: Uncertain significance for Juvenile myelomonocytic leukemia. Last evaluated: 2024-01-31. Review status: criteria provided, single submitter. Criteria: ACMG Guidelines, 2015. Collection method: clinical testing. Allele origin: unknown.

Labcorp Genetics (formerly Invitae), Labcorp
Classification: Uncertain significance for Neurofibromatosis, type 1. Last evaluated: 2023-10-10. Review status: criteria provided, single submitter. Criteria: Invitae Variant Classification Sherloc (09022015). Collection method: clinical testing. Allele origin: germline.
Comment: This sequence change replaces alanine, which is neutral and non-polar, with valine, which is neutral and non-polar, at codon 1851 of the NF1 protein (p.Ala1851Val). This variant is not present in population databases (gnomAD no frequency). This variant has not been reported in the literature in individuals affected with NF1-related conditions. Advanced modeling of protein sequence and biophysical properties (such as structural, functional, and spatial information, amino acid conservation, physicochemical variation, residue mobility, and thermodynamic stability) performed at Invitae indicates that this missense variant is expected to disrupt NF1 protein function. Algorithms developed to predict the effect of sequence changes on RNA splicing suggest that this variant may disrupt the consensus splice site. In summary, the available evidence is currently insufficient to determine the role of this variant in disease. Therefore, it has been classified as a Variant of Uncertain Significance.